The following is an entry in ClinVar:

ClinVar aggregate classification (germline): Uncertain significance. Review status: criteria provided, multiple submitters, no conflicts (2 of 4 stars). 2 submissions from 2 submitters: Uncertain significance (2). Last evaluated 2025-04-18.

Conditions:
Dilated cardiomyopathy 1G (CMD1G). Identifiers: Orphanet 154, MedGen C1858763, MONDO:0011400, OMIM 604145.
Autosomal recessive limb-girdle muscular dystrophy type 2J (LGMDR10). Also called: Limb-girdle muscular dystrophy, type 2J; MUSCULAR DYSTROPHY, LIMB-GIRDLE, AUTOSOMAL RECESSIVE 10. Identifiers: Orphanet 140922, MedGen C1837342, MONDO:0012127, OMIM 608807.

Allele frequency attached by ClinVar (database versions not stated): gnomAD 0.00001; gnomAD exomes 0.00001; TOPMed 0.00002.
gnomAD v4.1: 7 of 1,583,792 alleles (0.00044%); highest among the groups gnomAD compares: South Asian, 0.0012%; no homozygotes.

Submissions (2):

Labcorp Genetics (formerly Invitae), Labcorp
Classification: Uncertain significance for Dilated cardiomyopathy 1G; Autosomal recessive limb-girdle muscular dystrophy type 2J. Last evaluated: 2025-04-18. Review status: criteria provided, single submitter. Criteria: Invitae Variant Classification Sherloc (09022015). Collection method: clinical testing. Allele origin: germline.
Comment: This sequence change replaces alanine, which is neutral and non-polar, with valine, which is neutral and non-polar, at codon 35459 of the TTN protein (p.Ala35459Val). This variant is not present in population databases (gnomAD no frequency). This variant has not been reported in the literature in individuals affected with TTN-related conditions. ClinVar contains an entry for this variant (Variation ID: 808891). An algorithm developed to predict the effect of missense changes on protein structure and function outputs the following: PolyPhen-2: "Not Available". The valine amino acid residue is found in multiple mammalian species, which suggests that this missense change does not adversely affect protein function. This variant is located in the M band of TTN (PMID: 25589632). Non-truncating variants in this region may be relevant for neuromuscular disorders, but have not been definitively shown to cause cardiomyopathy (PMID: 23975875). In summary, the available evidence is currently insufficient to determine the role of this variant in disease. Therefore, it has been classified as a Variant of Uncertain Significance.

GeneDx
Classification: Uncertain significance. Last evaluated: 2022-10-14. Review status: criteria provided, single submitter. Criteria: GeneDx Variant Classification Process June 2021. Collection method: clinical testing. Allele origin: germline. Affected: yes.
Comment: Not observed at significant frequency in large population cohorts (gnomAD); Missense variant in a gene in which most reported pathogenic variants are truncating/loss of function; Has not been previously published as pathogenic or benign to our knowledge; This variant is associated with the following publications: (PMID: 23975875)

Literature cited by the submitters: PubMed 25589632 (cited by Labcorp Genetics (formerly Invitae), Labcorp); PubMed 23975875 (cited by Labcorp Genetics (formerly Invitae), Labcorp).

NM_001267550.2(TTN):c.106376C>T (p.Ala35459Val)

Genes: TTN-AS1 (TTN antisense RNA 1; plus strand), TTN (titin; minus strand). Cytogenetic location: 2q31.2.
Variant type: single nucleotide variant.
Coding change: c.106376C>T on transcript NM_001267550.2 (MANE Select); coding-DNA position 106376, C replaced by T.
Protein change: p.Ala35459Val; replaces alanine 35459 with valine.
Molecular consequence: missense variant.
Genome position (GRCh38, 1-based): chr2:178,530,115, G>A on the plus strand (C>T on the coding strand, the complement: TTN is on the minus strand). VCF-style: chr2-178530115-G-A. GRCh37 (hg19) VCF-style: chr2-179394842-G-A.
Other names: c.101453C>T, p.Ala33818Val (NM_001256850.1); c.79181C>T, p.Ala26394Val (NM_003319.4); c.98672C>T, p.Ala32891Val (NM_133378.4); c.79556C>T, p.Ala26519Val (NM_133432.3); c.79757C>T, p.Ala26586Val (NM_133437.4); c.106376C>T (NM_001267550.1); short protein forms A26394V, A26519V, A26586V, A33818V, A35459V, A32891V.
Identifiers: ClinVar variation 808891 (VCV000808891.18), dbSNP rs879170800, ClinGen allele CA60953079.
Genomic context (GRCh38, chr2:178,530,115, plus strand): 5'-ATTTCTAAGAAGAACCCTCCCTTGTCTTCAGAGAGTTTATATTTACCTCCTTGTGTAATG[G>A]CCTGTAGAATGCAAATGATTTGTGTTTTAAAAAGTGATTTCATTTTAAGCTTTTTTTGGG-3'
Protein context (NP_001254479.2, residues 35449-35469): PTAIWTKDGK[Ala35459Val]ITQGGKYKLS